The following is an entry in ClinVar:

ClinVar aggregate classification (germline): Uncertain significance. Review status: criteria provided, multiple submitters, no conflicts (2 of 4 stars). 2 submissions from 2 submitters: Uncertain significance (2). Last evaluated 2025-12-22.

Conditions:
Inborn genetic diseases. Identifiers: MedGen C0950123, MeSH D030342.
Fanconi anemia (FA). Also called: Fanconi's anemia. Identifiers: Orphanet 84, MedGen C0015625, MeSH D005199, MONDO:0019391.

Allele frequency attached by ClinVar (database versions not stated): gnomAD exomes below 0.00001; TOPMed below 0.00001.
gnomAD v4.1: 2 of 1,614,226 alleles (0.00012%); highest among the groups gnomAD compares: Non-Finnish European, 0.00017%; no homozygotes.

Submissions (2):

Ambry Genetics
Classification: Uncertain significance for Inborn genetic diseases. Last evaluated: 2025-12-22. Review status: criteria provided, single submitter. Criteria: Ambry Variant Classification Scheme 2023. Collection method: clinical testing. Allele origin: germline.
Comment: The p.S1043F variant (also known as c.3128C>T), located in coding exon 32 of the FANCA gene, results from a C to T substitution at nucleotide position 3128. The serine at codon 1043 is replaced by phenylalanine, an amino acid with highly dissimilar properties. This amino acid position is conserved. In addition, this alteration is predicted to be tolerated by in silico analysis. Based on the available evidence, the clinical significance of this variant remains unclear.

Labcorp Genetics (formerly Invitae), Labcorp
Classification: Uncertain significance for Fanconi anemia. Last evaluated: 2021-08-26. Review status: criteria provided, single submitter. Criteria: Invitae Variant Classification Sherloc (09022015). Collection method: clinical testing. Allele origin: germline.
Comment: This sequence change replaces serine with phenylalanine at codon 1043 of the FANCA protein (p.Ser1043Phe). The serine residue is weakly conserved and there is a large physicochemical difference between serine and phenylalanine. This variant is not present in population databases (ExAC no frequency). This variant has not been reported in the literature in individuals affected with FANCA-related conditions. Algorithms developed to predict the effect of missense changes on protein structure and function are either unavailable or do not agree on the potential impact of this missense change (SIFT: "Tolerated"; PolyPhen-2: "Possibly Damaging"; Align-GVGD: "Class C0"). In summary, the available evidence is currently insufficient to determine the role of this variant in disease. Therefore, it has been classified as a Variant of Uncertain Significance.

NM_000135.4(FANCA):c.3128C>T (p.Ser1043Phe)

Gene: FANCA (FA complementation group A; minus strand). Cytogenetic location: 16q24.3.
Variant type: single nucleotide variant.
Coding change: c.3128C>T on transcript NM_000135.4 (MANE Select); coding-DNA position 3128, C replaced by T.
Protein change: p.Ser1043Phe; replaces serine 1043 with phenylalanine.
Molecular consequence: missense variant.
Genome position (GRCh38, 1-based): chr16:89,749,841, G>A on the plus strand (C>T on the coding strand, the complement: FANCA is on the minus strand). VCF-style: chr16-89749841-G-A. GRCh37 (hg19) VCF-style: chr16-89816249-G-A.
Other names: c.3128C>T, p.Ser1043Phe (NM_001286167.3); c.3128C>T (NM_000135.2); short protein forms S1043F.
Identifiers: ClinVar variation 1043267 (VCV001043267.7), dbSNP rs964766722, ClinGen allele CA286625952.